The following is an entry in ClinVar:

NM_005857.5(ZMPSTE24):c.474G>A (p.Gln158=)

Gene: ZMPSTE24 (zinc metallopeptidase STE24; plus strand). Cytogenetic location: 1p34.2.
Variant type: single nucleotide variant.
Coding change: c.474G>A on transcript NM_005857.5 (MANE Select); coding-DNA position 474, G replaced by A.
Protein change: p.Gln158=; no amino-acid change (glutamine 158 retained).
Molecular consequence: synonymous variant.
Genome position (GRCh38, 1-based): chr1:40,268,535, G>A. VCF-style: chr1-40268535-G-A. GRCh37 (hg19) VCF-style: chr1-40734207-G-A.
Identifiers: ClinVar variation 874176 (VCV000874176.6), dbSNP rs777632184, ClinGen allele CA790993.

ClinVar aggregate classification (germline): Uncertain significance. Review status: criteria provided, multiple submitters, no conflicts (2 of 4 stars). 3 submissions from 2 submitters: Uncertain significance (3). Last evaluated 2022-08-22.

Conditions:
Mandibuloacral dysplasia with type B lipodystrophy (MADB). Also called: LIPODYSTROPHY, TYPE B, ASSOCIATED WITH MANDIBULOACRAL DYSPLASIA. Identifiers: Orphanet 2457, Orphanet 90154, MedGen C1837756, MONDO:0012074, OMIM 608612.
Lethal tight skin contracture syndrome. Also called: FETAL HYPOKINESIA SEQUENCE DUE TO RESTRICTIVE DERMOPATHY; HYPERKERATOSIS-CONTRACTURE SYNDROME; Restrictive dermopathy; RESTRICTIVE DERMOPATHY, LETHAL. Identifiers: Orphanet 1662, MedGen C0406585, MONDO:0031213.

Allele frequency attached by ClinVar (database versions not stated): gnomAD 0.00004 and 0.00005; TOPMed 0.00008; ExAC 0.00003; gnomAD exomes 0.00003.
gnomAD v4.1: 38 of 1,568,460 alleles (0.0024%); highest among the groups gnomAD compares: Middle Eastern, 0.033%; no homozygotes.

Submissions (4):

Labcorp Genetics (formerly Invitae), Labcorp
Classification: Uncertain significance. Last evaluated: 2022-08-22. Review status: criteria provided, single submitter. Criteria: Invitae Variant Classification Sherloc (09022015). Collection method: clinical testing. Allele origin: germline.
Comment: This sequence change affects codon 158 of the ZMPSTE24 mRNA. It is a 'silent' change, meaning that it does not change the encoded amino acid sequence of the ZMPSTE24 protein. This variant also falls at the last nucleotide of exon 4, which is part of the consensus splice site for this exon. This variant is present in population databases (rs777632184, gnomAD 0.009%). This variant has not been reported in the literature in individuals affected with ZMPSTE24-related conditions. ClinVar contains an entry for this variant (Variation ID: 874176). Variants that disrupt the consensus splice site are a relatively common cause of aberrant splicing (PMID: 17576681, 9536098). Algorithms developed to predict the effect of sequence changes on RNA splicing suggest that this variant may disrupt the consensus splice site. In summary, the available evidence is currently insufficient to determine the role of this variant in disease. Therefore, it has been classified as a Variant of Uncertain Significance.

Illumina Laboratory Services, Illumina
Classification: Uncertain significance for Restrictive dermopathy 1. Last evaluated: 2018-01-13. Review status: criteria provided, single submitter. Criteria: ICSL Variant Classification Criteria 13 December 2019. Collection method: clinical testing. Allele origin: germline.

Illumina Laboratory Services, Illumina
Classification: Uncertain significance for Mandibuloacral dysplasia with type B lipodystrophy. Last evaluated: 2018-01-13. Review status: criteria provided, single submitter. Criteria: ICSL Variant Classification Criteria 13 December 2019. Collection method: clinical testing. Allele origin: germline.

Dr. Peter K. Rogan Lab, Western University
No classification provided (evidence only). Condition: Ovarian serous cystadenocarcinoma. Review status: no classification provided. Collection method: in vitro. Allele origin: not applicable. Functional consequence: retained intron. Not counted in ClinVar's aggregate classification.

Literature cited by the submitters: PubMed 17576681 (cited by Labcorp Genetics (formerly Invitae), Labcorp); PubMed 9536098 (cited by Labcorp Genetics (formerly Invitae), Labcorp).